The following is an entry in ClinVar:

NM_032813.5(TMTC4):c.389A>G (p.Asn130Ser)

Gene: TMTC4 (transmembrane O-mannosyltransferase targeting cadherins 4; minus strand). Cytogenetic location: 13q32.3.
Variant type: single nucleotide variant.
Coding change: c.389A>G on transcript NM_032813.5 (MANE Select); coding-DNA position 389, A replaced by G.
Protein change: p.Asn130Ser; replaces asparagine 130 with serine.
Molecular consequence: missense variant. On other transcripts: non-coding transcript variant (1), intron variant (1).
Genome position (GRCh38, 1-based): chr13:100,663,127, T>C on the plus strand (A>G on the coding strand, the complement: TMTC4 is on the minus strand). VCF-style: chr13-100663127-T-C. GRCh37 (hg19) VCF-style: chr13-101315381-T-C.
Other names: c.332A>G, p.Asn111Ser (NM_001079669.4, NM_001350572.2, NM_001350574.2 and 1 more transcripts); c.389A>G, p.Asn130Ser (NM_001350571.2, NM_001350576.2); c.162+5452A>G (NM_001286453.3); short protein forms N130S, N111S.
Identifiers: ClinVar variation 2225726 (VCV002225726.4), dbSNP rs758692148, ClinGen allele CA7034719.

ClinVar aggregate classification (germline): Uncertain significance. Review status: criteria provided, multiple submitters, no conflicts (2 of 4 stars). 2 submissions from 2 submitters: Uncertain significance (2). Last evaluated 2022-10-27.

Conditions:
Hearing loss, autosomal recessive 122. Also called: Deafness, autosomal recessive 122. Identifiers: MedGen C5935576, MONDO:0958228, OMIM 620714.

Allele frequency attached by ClinVar (database versions not stated): ExAC 0.00001; gnomAD 0.00001; gnomAD exomes 0.00001; TOPMed 0.00002.
gnomAD v4.1: 15 of 1,614,172 alleles (0.00093%); highest among the groups gnomAD compares: African/African-American, 0.0013%; no homozygotes.

Submissions (2):

Ambry Genetics
Classification: Uncertain significance. Last evaluated: 2022-10-27. Review status: criteria provided, single submitter. Criteria: Ambry Variant Classification Scheme 2023. Collection method: clinical testing. Allele origin: germline.

Juno Genomics, Hangzhou Juno Genomics, Inc
Classification: Uncertain significance for Hearing loss, autosomal recessive 122. Review status: criteria provided, single submitter. Criteria: ACMG Guidelines, 2015. Collection method: clinical testing. Allele origin: germline.
Comment: Absent from controls (or at extremely low frequency if recessive) in Genome Aggregation Database.;Multiple lines of computational evidence support a deleterious effect on the gene or gene product.